The following is an entry in ClinVar:

ClinVar aggregate classification (germline): Uncertain significance (1 of 4 stars; one submission).

Conditions:
ALG8 congenital disorder of glycosylation. Also called: CONGENITAL DISORDER OF GLYCOSYLATION, TYPE Ih; CDG Ih; ALG8-CDG. Identifiers: Orphanet 79325, MedGen C2931002, MONDO:0011969, OMIM 608104.

gnomAD v4.1: 6 of 1,613,684 alleles (0.00037%); highest among the groups gnomAD compares: South Asian, 0.0055%; no homozygotes.

Submission:

Labcorp Genetics (formerly Invitae), Labcorp
Classification: Uncertain significance for ALG8 congenital disorder of glycosylation. Last evaluated: 2025-08-24. Review status: criteria provided, single submitter. Criteria: Invitae Variant Classification Sherloc (09022015). Collection method: clinical testing. Allele origin: germline.
Comment: This sequence change replaces arginine, which is basic and polar, with leucine, which is neutral and non-polar, at codon 268 of the ALG8 protein (p.Arg268Leu). This variant is present in population databases (rs61995925, gnomAD 0.003%). This variant has not been reported in the literature in individuals affected with ALG8-related conditions. Invitae Evidence Modeling of protein sequence and biophysical properties (such as structural, functional, and spatial information, amino acid conservation, physicochemical variation, residue mobility, and thermodynamic stability) indicates that this missense variant is expected to disrupt ALG8 protein function with a positive predictive value of 80%. Algorithms developed to predict the effect of sequence changes on RNA splicing suggest that this variant may disrupt the consensus splice site. In summary, the available evidence is currently insufficient to determine the role of this variant in disease. Therefore, it has been classified as a Variant of Uncertain Significance.

NM_024079.5(ALG8):c.803G>T (p.Arg268Leu)

Gene: ALG8 (ALG8 alpha-1,3-glucosyltransferase; minus strand). Cytogenetic location: 11q14.1.
Variant type: single nucleotide variant.
Coding change: c.803G>T on transcript NM_024079.5 (MANE Select); coding-DNA position 803, G replaced by T.
Protein change: p.Arg268Leu; replaces arginine 268 with leucine.
Molecular consequence: missense variant. On other transcripts: synonymous variant (1), non-coding transcript variant (2), intron variant (2).
Genome position (GRCh38, 1-based): chr11:78,112,745, C>A on the plus strand (G>T on the coding strand, the complement: ALG8 is on the minus strand). VCF-style: chr11-78112745-C-A. GRCh37 (hg19) VCF-style: chr11-77823791-C-A.
Other names: c.803G>T, p.Arg268Leu (NM_001007027.3, NM_001425221.1, NM_001425222.1 and 8 more transcripts); c.806G>T, p.Arg269Leu (NM_001425219.1); c.788G>T, p.Arg263Leu (NM_001425220.1); c.797G>T, p.Arg266Leu (NM_001425223.1); c.896G>T, p.Arg299Leu (NM_001425224.1); c.650G>T, p.Arg217Leu (NM_001425226.1, NM_001425235.1, NM_001425236.1); c.602G>T, p.Arg201Leu (NM_001425231.1); c.539G>T, p.Arg180Leu (NM_001425234.1, NM_001425239.1); and 5 more; short protein forms R263L, R269L, R299L, R217L, R268L, R266L, R180L, R201L.
Identifiers: ClinVar variation 4777377 (VCV004777377.1).